The following is an entry in ClinVar:

NM_001277115.2(DNAH11):c.4135G>A (p.Ala1379Thr)

Gene: DNAH11 (dynein axonemal heavy chain 11; plus strand). Cytogenetic location: 7p15.3.
Variant type: single nucleotide variant.
Coding change: c.4135G>A on transcript NM_001277115.2 (MANE Select); coding-DNA position 4135, G replaced by A.
Protein change: p.Ala1379Thr; replaces alanine 1379 with threonine.
Molecular consequence: missense variant.
Genome position (GRCh38, 1-based): chr7:21,617,658, G>A. VCF-style: chr7-21617658-G-A. GRCh37 (hg19) VCF-style: chr7-21657276-G-A.
Other names: c.4150G>A, p.Ala1384Thr (NM_003777.3); short protein forms A1379T, A1384T.
Identifiers: ClinVar variation 2497757 (VCV002497757.1), dbSNP rs2534699414, ClinGen allele CA366952101.

ClinVar aggregate classification (germline): Uncertain significance (1 of 4 stars; one submission).

Submission:

GeneDx
Classification: Uncertain significance. Last evaluated: 2022-10-05. Review status: criteria provided, single submitter. Criteria: GeneDx Variant Classification Process June 2021. Collection method: clinical testing. Allele origin: germline. Affected: yes.
Comment: Not observed at significant frequency in large population cohorts (gnomAD); In silico analysis supports that this missense variant has a deleterious effect on protein structure/function; Has not been previously published as pathogenic or benign to our knowledge